The following is an entry in ClinVar:

NM_000440.3(PDE6A):c.769C>T (p.Arg257Ter)

Gene: PDE6A (phosphodiesterase 6A; minus strand). Cytogenetic location: 5q32.
Variant type: single nucleotide variant.
Coding change: c.769C>T on transcript NM_000440.3 (MANE Select); coding-DNA position 769, C replaced by T.
Protein change: p.Arg257Ter; replaces arginine 257 with a stop codon.
Molecular consequence: nonsense.
Genome position (GRCh38, 1-based): chr5:149,931,117, G>A on the plus strand (C>T on the coding strand, the complement: PDE6A is on the minus strand). VCF-style: chr5-149931117-G-A. GRCh37 (hg19) VCF-style: chr5-149310680-G-A.
Other names: short protein forms R257*.
Identifiers: ClinVar variation 437984 (VCV000437984.58), dbSNP rs146591309, ClinGen allele CA3504948.

ClinVar aggregate classification (germline): Pathogenic/Likely pathogenic. Review status: criteria provided, multiple submitters, no conflicts (2 of 4 stars). 12 submissions from 12 submitters: Pathogenic (8); Likely pathogenic (1). 3 of the submissions do not count toward it. Last evaluated 2025-12-09.

Conditions:
PDE6A-related disorder. Also called: PDE6A-related condition.
Retinal dystrophy. Also called: Inherited retinal dystrophy. Identifiers: Orphanet 71862, MedGen C0854723, MeSH D058499, MONDO:0019118, HP:0000556.
Retinitis pigmentosa 43 (RP43). Identifiers: Orphanet 791, MedGen C3151139, MONDO:0013437, OMIM 613810.
Retinitis pigmentosa (RP). Identifiers: Orphanet 791, MedGen C0035334, MeSH D012174, MONDO:0019200, OMIM 268000. Inheritance: Autosomal dominant, autosomal recessive and X linked inheritance.

Allele frequency attached by ClinVar (database versions not stated): gnomAD exomes 0.00002 and 0.00004; TOPMed 0.00003; ExAC 0.00004; gnomAD 0.00004 and 0.00005; ESP Exome Variant Server 0.00015.

Submissions (12):

3billion
Classification: Pathogenic for Retinitis pigmentosa 43. Last evaluated: 2025-12-09. Review status: criteria provided, single submitter. Criteria: ACMG Guidelines, 2015. Collection method: clinical testing. Allele origin: germline. Affected: yes.
Comment: The variant is observed at an extremely low frequency in the gnomAD v4.1.0 dataset (total allele frequency: 0.002%). Predicted Consequence/Location: Stop-gained (nonsense): predicted to result in a loss or disruption of normal protein function through nonsense-mediated decay (NMD) or protein truncation. Multiple pathogenic variants are reported downstream of the variant. The variant has been reported at least twice as pathogenic with clinical assertions and evidence for the classification (ClinVar ID: VCV000437984 /PMID: 17110911 /3billion dataset). Therefore, this variant is classified as Pathogenic according to the recommendation of ACMG/AMP guideline.

Labcorp Genetics (formerly Invitae), Labcorp
Classification: Pathogenic. Last evaluated: 2024-10-11. Review status: criteria provided, single submitter. Criteria: Invitae Variant Classification Sherloc (09022015). Collection method: clinical testing. Allele origin: germline.
Comment: This sequence change creates a premature translational stop signal (p.Arg257*) in the PDE6A gene. It is expected to result in an absent or disrupted protein product. Loss-of-function variants in PDE6A are known to be pathogenic (PMID: 7493036, 22128245, 23847139). This variant is present in population databases (rs146591309, gnomAD 0.02%). This premature translational stop signal has been observed in individual(s) with autosomal recessive retinitis pigmentosa (PMID: 17110911, 24339724). This variant is also known as Arg256>Ter. ClinVar contains an entry for this variant (Variation ID: 437984). For these reasons, this variant has been classified as Pathogenic.

Fulgent Genetics
Classification: Pathogenic for Retinitis pigmentosa 43. Last evaluated: 2024-06-20. Review status: criteria provided, single submitter. Criteria: ACMG Guidelines, 2015. Collection method: clinical testing. Allele origin: germline.

Blueprint Genetics
Classification: Pathogenic for PDE6A-related disorders. Last evaluated: 2023-04-17. Review status: criteria provided, single submitter. Criteria: ACMG Guidelines, 2015. Collection method: clinical testing. Allele origin: germline. Affected: yes. Observed: 5 variant alleles.

Institute of Medical Genetics and Applied Genomics, University Hospital Tübingen
Classification: Pathogenic. Last evaluated: 2021-06-17. Review status: criteria provided, single submitter. Criteria: ACMG Guidelines, 2015. Collection method: clinical testing. Allele origin: germline. Inheritance: Autosomal recessive inheritance. Affected: yes.

Ocular Genomics Institute, Massachusetts Eye and Ear
Classification: Likely pathogenic for Retinitis pigmentosa 43. Last evaluated: 2021-04-08. Review status: criteria provided, single submitter. Criteria: ACMG Guidelines, 2015. Collection method: research. Allele origin: germline. Affected: yes.
Comment: Through a review of available evidence we were able to apply the following criteria: PVS1, PM2. Based on this evidence we have classified this variant as Likely Pathogenic.

CeGaT Center for Human Genetics Tuebingen
Classification: Pathogenic. Last evaluated: 2020-04-01. Review status: criteria provided, single submitter. Criteria: CeGaT Center For Human Genetics Tuebingen Variant Classification Criteria Version 2. Collection method: clinical testing. Allele origin: germline. Affected: yes. Observed: 1 variant allele.

Institute of Human Genetics, Univ. Regensburg, Univ. Regensburg
Classification: Pathogenic for Retinal dystrophy. Last evaluated: 2019-01-01. Review status: criteria provided, single submitter. Criteria: ACMG Guidelines, 2015. Collection method: clinical testing. Allele origin: germline. Affected: yes.

Eurofins Ntd Llc (ga)
Classification: Pathogenic. Last evaluated: 2016-12-09. Review status: criteria provided, single submitter. Criteria: EGL Classification Definitions 2015. Collection method: clinical testing. Allele origin: germline. Observed: 1 variant allele, 1 heterozygote.

Gen-Eye Clinic, Grow Research Laboratory, Narayana Nethralaya
Classification: Pathogenic for Retinitis pigmentosa. Last evaluated: 2022-07-27. Review status: no assertion criteria provided. Collection method: clinical testing. Allele origin: germline. Affected: yes. Not counted in ClinVar's aggregate classification.

Sharon lab, Hadassah-Hebrew University Medical Center
Classification: Pathogenic for Retinitis pigmentosa. Last evaluated: 2019-06-23. Review status: no assertion criteria provided. Collection method: research. Allele origin: inherited. Affected: yes. Not counted in ClinVar's aggregate classification.

NIHR Bioresource Rare Diseases, University of Cambridge
Classification: Pathogenic for Retinitis pigmentosa. Last evaluated: 2015-01-01. Review status: no assertion criteria provided. Collection method: research. Allele origin: unknown. Affected: yes. Observed: 1 variant allele. Not counted in ClinVar's aggregate classification.

Literature cited by the submitters: PubMed 17110911 (cited by 4 submitters); PubMed 7493036 (cited by Labcorp Genetics (formerly Invitae), Labcorp); PubMed 22128245 (cited by Labcorp Genetics (formerly Invitae), Labcorp); PubMed 23847139 (cited by Labcorp Genetics (formerly Invitae), Labcorp); PubMed 24339724 (cited by 3 submitters); PubMed 28041643 (cited by Ocular Genomics Institute, Massachusetts Eye and Ear and NIHR Bioresource Rare Diseases, University of Cambridge); PubMed 25525159 (cited by Institute of Human Genetics, Univ. Regensburg, Univ. Regensburg); PubMed 31964843 (cited by Institute of Human Genetics, Univ. Regensburg, Univ. Regensburg); PubMed 31456290 (cited by Institute of Human Genetics, Univ. Regensburg, Univ. Regensburg); PubMed 32531858 (cited by Institute of Human Genetics, Univ. Regensburg, Univ. Regensburg); PubMed 32037395 (cited by Institute of Human Genetics, Univ. Regensburg, Univ. Regensburg); PubMed 34426522 (cited by Institute of Human Genetics, Univ. Regensburg, Univ. Regensburg); PubMed 33749171 (cited by Institute of Human Genetics, Univ. Regensburg, Univ. Regensburg); PubMed 36819107 (cited by Institute of Human Genetics, Univ. Regensburg, Univ. Regensburg).